The following is an entry in ClinVar:

ClinVar aggregate classification (germline): Uncertain significance (1 of 4 stars; one submission).

Conditions:
SYNE1-related disorder. Also called: SYNE1-related disorders; SYNE1-related disease; SYNE1-related condition.

Allele frequency attached by ClinVar (database versions not stated): gnomAD 0.00001.
gnomAD v4.1: 9 of 1,614,022 alleles (0.00056%); highest among the groups gnomAD compares: Non-Finnish European, 0.00068%; no homozygotes.

Submission:

PreventionGenetics, part of Exact Sciences
Classification: Uncertain significance for SYNE1-related condition. Last evaluated: 2025-08-05. Review status: criteria provided, single submitter. Criteria: ACMG Guidelines, 2015. Collection method: clinical testing. Allele origin: germline.
Comment: The SYNE1 c.8158G>A variant is predicted to result in the amino acid substitution p.Val2720Met. To our knowledge, this variant has not been reported in the literature or in a large population database (gnomAD), indicating this variant is rare. At this time, the clinical significance of this variant is uncertain due to the absence of conclusive functional and genetic evidence.

NM_182961.4(SYNE1):c.8137G>A (p.Val2713Met)

Gene: SYNE1 (spectrin repeat containing nuclear envelope protein 1; minus strand). Cytogenetic location: 6q25.2.
Variant type: single nucleotide variant.
Coding change: c.8137G>A on transcript NM_182961.4 (MANE Select); coding-DNA position 8137, G replaced by A.
Protein change: p.Val2713Met; replaces valine 2713 with methionine.
Molecular consequence: missense variant.
Genome position (GRCh38, 1-based): chr6:152,390,320, C>T on the plus strand (G>A on the coding strand, the complement: SYNE1 is on the minus strand). VCF-style: chr6-152390320-C-T. GRCh37 (hg19) VCF-style: chr6-152711455-C-T.
Other names: c.8158G>A, p.Val2720Met (NM_033071.5); short protein forms V2713M, V2720M.
Identifiers: ClinVar variation 2629525 (VCV002629525.2), dbSNP rs777931582, ClinGen allele CA366105362.